The following is an entry in ClinVar:

ClinVar aggregate classification (germline): Likely pathogenic (1 of 4 stars; one submission).

Conditions:
AHDC1-related intellectual disability - obstructive sleep apnea - mild dysmorphism syndrome. Also called: Xia-Gibbs syndrome. Identifiers: Orphanet 412069, MedGen C4014419, MONDO:0014358, OMIM 615829.

Submission:

Umrani?ye Training and Research Hospital
Classification: Likely pathogenic for AHDC1-related intellectual disability - obstructive sleep apnea - mild dysmorphism syndrome. Last evaluated: 2026-03-23. Review status: criteria provided, single submitter. Criteria: ACMG Guidelines, 2015. Collection method: provider interpretation. Allele origin: de novo. Inheritance: Autosomal dominant inheritance. Affected: yes. Observed: 1 variant allele.
Comment: PVS1,PM2,PM6

Literature cited by the submitters: PubMed 42136190.

NM_001371928.1(AHDC1):c.4294del (p.Ala1432fs)

Gene: AHDC1 (AT-hook DNA binding motif containing 1; minus strand). Cytogenetic location: 1p36.11.
Variant type: Deletion.
Coding change: c.4294del on transcript NM_001371928.1 (MANE Select); coding-DNA position 4294, one base deleted (G; older notation c.4294delG).
Protein change: p.Ala1432fs; shifts the reading frame from alanine 1432.
Molecular consequence: frameshift variant.
Genome position (GRCh38, 1-based): chr1:27,547,822, C deleted on the plus strand (G on the coding strand, the reverse complement: AHDC1 is on the minus strand); the first of 5 consecutive C bases (chr1:27,547,822-27,547,826); deleting any one gives the same sequence. VCF-style (leftmost placement, unchanged base first): chr1-27547821-GC-G. GRCh37 (hg19) VCF-style: chr1-27874332-GC-G.
Other names: NP_001025053.1:p.(Ala1432Profs*13); c.4294del, p.Ala1432fs (NM_001029882.3); short protein forms A1432fs.
Identifiers: ClinVar variation 4820038 (VCV004820038.1).